The following is an entry in ClinVar:

ClinVar aggregate classification (germline): Uncertain significance (1 of 4 stars; one submission).

Submission:

GeneDx
Classification: Uncertain significance. Last evaluated: 2025-06-21. Review status: criteria provided, single submitter. Criteria: GeneDx Variant Classification Process June 2021. Collection method: clinical testing. Allele origin: germline. Affected: yes.
Comment: Not observed at significant frequency in large population cohorts (gnomAD); In silico analysis supports that this missense variant has a deleterious effect on protein structure/function; Has not been previously published as pathogenic or benign to our knowledge

NM_020794.2:c.233A>G

Gene: LRRC7 (leucine rich repeat containing 7; plus strand).
Variant type: single nucleotide variant.
Identifiers: ClinVar variation 4538965 (VCV004538965.1).